The following is an entry in ClinVar:

NM_000214.3(JAG1):c.2351A>G (p.Asn784Ser)

Gene: JAG1 (jagged canonical Notch ligand 1; minus strand). Cytogenetic location: 20p12.2.
Variant type: single nucleotide variant.
Coding change: c.2351A>G on transcript NM_000214.3 (MANE Select); coding-DNA position 2351, A replaced by G.
Protein change: p.Asn784Ser; replaces asparagine 784 with serine.
Molecular consequence: missense variant.
Genome position (GRCh38, 1-based): chr20:10,644,378, T>C on the plus strand (A>G on the coding strand, the complement: JAG1 is on the minus strand). VCF-style: chr20-10644378-T-C. GRCh37 (hg19) VCF-style: chr20-10625026-T-C.
Other names: short protein forms N784S.
Identifiers: ClinVar variation 4983432 (VCV004983432.1).

ClinVar aggregate classification (germline): Uncertain significance (1 of 4 stars; one submission).

Conditions:
JAG1-related disorder. Also called: JAG1-related condition; JAG1-related disorders.

Submission:

PreventionGenetics, part of Exact Sciences
Classification: Uncertain significance for JAG1-related condition. Last evaluated: 2026-09-11. Review status: criteria provided, single submitter. Criteria: ACMG Guidelines, 2015. Collection method: clinical testing. Allele origin: germline.
Comment: The JAG1 c.2351A>G variant is predicted to result in the amino acid substitution p.Asn784Ser. To our knowledge, this variant has not been reported in the literature. This variant is absent in a large population database (gnomAD), indicating this variant is rare. At this time, the clinical significance of this variant is uncertain due to the absence of conclusive functional and genetic evidence.